The following is an entry in ClinVar:

NM_021930.6(RINT1):c.2276C>G (p.Pro759Arg)

Genes: EFCAB10 (EF-hand calcium binding domain 10; minus strand), RINT1 (RAD50 interactor 1; plus strand). Cytogenetic location: 7q22.3.
Variant type: single nucleotide variant.
Coding change: c.2276C>G on transcript NM_021930.6 (MANE Select); coding-DNA position 2276, C replaced by G.
Protein change: p.Pro759Arg; replaces proline 759 with arginine.
Molecular consequence: missense variant. On other transcripts: 3 prime UTR variant (2), non-coding transcript variant (1), intron variant (3).
Genome position (GRCh38, 1-based): chr7:105,567,208, C>G. VCF-style: chr7-105567208-C-G. GRCh37 (hg19) VCF-style: chr7-105207655-C-G.
Other names: c.*246G>C (NM_001355527.2, NM_001355529.2); c.2042C>G, p.Pro681Arg (NM_001346599.2); c.1253C>G, p.Pro418Arg (NM_001346600.2, NM_001346603.2); c.1352C>G, p.Pro451Arg (NM_001346601.2); c.360-1761G>C (NM_001355531.2); c.383+259G>C (NM_001355526.2, NM_001355530.2); short protein forms P418R, P451R, P681R, P759R.
Identifiers: ClinVar variation 3227643 (VCV003227643.1), dbSNP rs34310648, ClinGen allele CA368815536.

ClinVar aggregate classification (germline): Uncertain significance (1 of 4 stars; one submission).

Submission:

Ambry Genetics
Classification: Uncertain significance. Last evaluated: 2023-11-02. Review status: criteria provided, single submitter. Criteria: Ambry Variant Classification Scheme 2023. Collection method: clinical testing. Allele origin: germline.
Comment: The p.P759R variant (also known as c.2276C>G), located in coding exon 15 of the RINT1 gene, results from a C to G substitution at nucleotide position 2276. The proline at codon 759 is replaced by arginine, an amino acid with dissimilar properties. This amino acid position is conserved. In addition, this alteration is predicted to be tolerated by in silico analysis. Since supporting evidence is limited at this time, the clinical significance of this alteration remains unclear.